The following is an entry in ClinVar:

ClinVar aggregate classification (germline): Conflicting classifications of pathogenicity. Review status: criteria provided, conflicting classifications (1 of 4 stars). 2 submissions from 2 submitters: Uncertain significance (1); Likely benign (1). Last evaluated 2026-03-23.

Conditions:
CYS1-related condition.

Allele frequency attached by ClinVar (database versions not stated): gnomAD 0.00012; TOPMed 0.00012.

Submissions (2):

PreventionGenetics, part of Exact Sciences
Classification: Likely benign for CYS1-related condition. Last evaluated: 2026-03-23. Review status: criteria provided, single submitter. Criteria: ACMG Guidelines, 2015. Collection method: clinical testing. Allele origin: germline.
Comment: This variant is classified as likely benign based on ACMG/AMP sequence variant interpretation guidelines (Richards et al. 2015 PMID: 25741868, with internal and published modifications).

Ambry Genetics
Classification: Uncertain significance. Last evaluated: 2025-04-30. Review status: criteria provided, single submitter. Criteria: Ambry Variant Classification Scheme 2023. Collection method: clinical testing. Allele origin: germline.

NM_001037160.3(CYS1):c.158C>T (p.Ala53Val)

Genes: CYS1 (cystin 1; minus strand), LOC129933088 (ATAC-STARR-seq lymphoblastoid silent region 11155; plus strand). Cytogenetic location: 2p25.1.
Variant type: single nucleotide variant.
Coding change: c.158C>T on transcript NM_001037160.3 (MANE Select); coding-DNA position 158, C replaced by T.
Protein change: p.Ala53Val; replaces alanine 53 with valine.
Molecular consequence: missense variant.
Genome position (GRCh38, 1-based): chr2:10,080,066, G>A on the plus strand (C>T on the coding strand, the complement: CYS1 is on the minus strand). VCF-style: chr2-10080066-G-A. GRCh37 (hg19) VCF-style: chr2-10220193-G-A.
Other names: short protein forms A53V.
Identifiers: ClinVar variation 2357493 (VCV002357493.4), dbSNP rs867977019, ClinGen allele CA42465311.